The following is an entry in ClinVar:

NM_173689.7(CRB2):c.2314C>G (p.Leu772Val)

Gene: CRB2 (crumbs cell polarity complex component 2; plus strand). Cytogenetic location: 9q33.3.
Variant type: single nucleotide variant.
Coding change: c.2314C>G on transcript NM_173689.7 (MANE Select); coding-DNA position 2314, C replaced by G.
Protein change: p.Leu772Val; replaces leucine 772 with valine.
Molecular consequence: missense variant. On other transcripts: non-coding transcript variant (1).
Genome position (GRCh38, 1-based): chr9:123,371,456, C>G. VCF-style: chr9-123371456-C-G. GRCh37 (hg19) VCF-style: chr9-126133735-C-G.
Other names: short protein forms L772V.
Identifiers: ClinVar variation 1027871 (VCV001027871.3), dbSNP rs376152518, ClinGen allele CA374865807.
Genomic context (GRCh38, chr9:123,371,456, plus strand): 5'-CTTGCTGCCGACAGCCAGCCCTGGGGTGGGCCCTTCCGAGGCTGCCTCCAGGACCTGCGA[C>G]TCGATGGCTGCCACCTCCCCTTCTTTCCTCTGCCACTGGATAACTCAAGCCAGCCCAGCG-3'
Protein context (NP_775960.4, residues 762-782): PFRGCLQDLR[Leu772Val]DGCHLPFFPL

ClinVar aggregate classification (germline): Uncertain significance. Review status: criteria provided, multiple submitters, no conflicts (2 of 4 stars). 2 submissions from 2 submitters: Uncertain significance (2). Last evaluated 2023-04-25.

Conditions:
Inborn genetic diseases. Identifiers: MedGen C0950123, MeSH D030342.
Focal segmental glomerulosclerosis 9 (FSGS9). Identifiers: Orphanet 656, MedGen C4015555, MONDO:0014539, OMIM 616220.

Allele frequency attached by ClinVar (database versions not stated): TOPMed 0.00001.
gnomAD v4.1: 4 of 1,613,046 alleles (0.00025%); highest among the groups gnomAD compares: Non-Finnish European, 0.00034%; no homozygotes.

Submissions (2):

Ambry Genetics
Classification: Uncertain significance for Inborn genetic diseases. Last evaluated: 2023-04-25. Review status: criteria provided, single submitter. Criteria: Ambry Variant Classification Scheme 2023. Collection method: clinical testing. Allele origin: germline.

Baylor Genetics
Classification: Uncertain significance for Focal segmental glomerulosclerosis 9. Last evaluated: 2019-01-18. Review status: criteria provided, single submitter. Criteria: ACMG Guidelines, 2015. Collection method: clinical testing. Allele origin: paternal. Affected: yes.
Comment: This variant was determined to be of uncertain significance according to ACMG Guidelines, 2015 [PMID:25741868].